The following is an entry in ClinVar:

ClinVar aggregate classification (germline): Pathogenic (1 of 4 stars; one submission).

Conditions:
Nephronophthisis. Also called: Juvenile Nephronophthisis. Identifiers: Orphanet 655, MedGen C0687120, MONDO:0019005, HP:0000090.

Allele frequency attached by ClinVar (database versions not stated): gnomAD exomes below 0.00001.
gnomAD v4.1: 1 of 1,613,714 alleles (0.000062%); highest among the groups gnomAD compares: Non-Finnish European, 0.000085%; no homozygotes.

Submission:

Labcorp Genetics (formerly Invitae), Labcorp
Classification: Pathogenic for Nephronophthisis. Last evaluated: 2022-03-31. Review status: criteria provided, single submitter. Criteria: Invitae Variant Classification Sherloc (09022015). Collection method: clinical testing. Allele origin: germline.
Comment: For these reasons, this variant has been classified as Pathogenic. Algorithms developed to predict the effect of sequence changes on RNA splicing suggest that this variant may disrupt the consensus splice site. This variant has not been reported in the literature in individuals affected with NPHP3-related conditions. This variant is not present in population databases (gnomAD no frequency). This sequence change creates a premature translational stop signal (p.Gln740*) in the NPHP3 gene. It is expected to result in an absent or disrupted protein product. Loss-of-function variants in NPHP3 are known to be pathogenic (PMID: 18371931, 23559409).

Literature cited by the submitters: PubMed 18371931; PubMed 23559409.

NM_153240.5(NPHP3):c.2218C>T (p.Gln740Ter)

Genes: NPHP3 (nephrocystin 3; minus strand), NPHP3-ACAD11 (NPHP3-ACAD11 readthrough (NMD candidate); minus strand). Cytogenetic location: 3q22.1.
Variant type: single nucleotide variant.
Coding change: c.2218C>T on transcript NM_153240.5 (MANE Select); coding-DNA position 2218, C replaced by T.
Protein change: p.Gln740Ter; replaces glutamine 740 with a stop codon.
Molecular consequence: nonsense. On other transcripts: non-coding transcript variant (1).
Genome position (GRCh38, 1-based): chr3:132,694,919, G>A on the plus strand (C>T on the coding strand, the complement: NPHP3 is on the minus strand). VCF-style: chr3-132694919-G-A. GRCh37 (hg19) VCF-style: chr3-132413763-G-A.
Other names: short protein forms Q740*.
Identifiers: ClinVar variation 2149097 (VCV002149097.4), dbSNP rs2530415541, ClinGen allele CA354581811.